The following is an entry in ClinVar:

NM_017617.5(NOTCH1):c.2206G>C (p.Gly736Arg)

Gene: NOTCH1 (notch receptor 1; minus strand). Cytogenetic location: 9q34.3.
Variant type: single nucleotide variant.
Coding change: c.2206G>C on transcript NM_017617.5 (MANE Select); coding-DNA position 2206, G replaced by C.
Protein change: p.Gly736Arg; replaces glycine 736 with arginine.
Molecular consequence: missense variant.
Genome position (GRCh38, 1-based): chr9:136,514,511, C>G on the plus strand (G>C on the coding strand, the complement: NOTCH1 is on the minus strand). VCF-style: chr9-136514511-C-G. GRCh37 (hg19) VCF-style: chr9-139408963-C-G.
Other names: short protein forms G736R.
Identifiers: ClinVar variation 3237460 (VCV003237460.2), dbSNP rs201662530.

ClinVar aggregate classification (germline): Uncertain significance. Review status: criteria provided, multiple submitters, no conflicts (2 of 4 stars). 2 submissions from 2 submitters: Uncertain significance (2). Last evaluated 2025-07-29.

Conditions:
Adams-Oliver syndrome 5 (AOS5). Identifiers: Orphanet 974, MedGen C4014970, MONDO:0014459, OMIM 616028.

gnomAD v4.1: 1 of 1,576,476 alleles (0.000063%); highest among the groups gnomAD compares: Non-Finnish European, 0.000086%; no homozygotes.

Submissions (2):

ARUP Laboratories, Molecular Genetics and Genomics, ARUP Laboratories
Classification: Uncertain significance. Last evaluated: 2025-07-29. Review status: criteria provided, single submitter. Criteria: ARUP Molecular Germline Variant Investigation Process 2024. Collection method: clinical testing. Allele origin: germline.
Comment: The NOTCH1 c.2206G>C; p.Gly736Arg variant (rs201662530), to our knowledge, is not reported in the medical literature but is reported in ClinVar (Variation ID: 3237460). This variant is also absent from the Genome Aggregation Database (v2.1.1), indicating it is not a common polymorphism. Computational analyses predict that this variant is deleterious (REVEL: 0.717). Due to limited information, the clinical significance of this variant is uncertain at this time.

Baylor Genetics
Classification: Uncertain significance for Adams-Oliver syndrome 5. Last evaluated: 2024-03-21. Review status: criteria provided, single submitter. Criteria: ACMG Guidelines, 2015. Collection method: clinical testing. Allele origin: unknown.